The following is an entry in ClinVar:

NM_017849.4(TMEM127):c.119C>A (p.Ser40Tyr)

Genes: TMEM127 (transmembrane protein 127; minus strand), LOC129934333 (ATAC-STARR-seq lymphoblastoid silent region 11759; plus strand). Cytogenetic location: 2q11.2.
Variant type: single nucleotide variant.
Coding change: c.119C>A on transcript NM_017849.4 (MANE Select); coding-DNA position 119, C replaced by A.
Protein change: p.Ser40Tyr; replaces serine 40 with tyrosine.
Molecular consequence: missense variant. On other transcripts: intron variant (1).
Genome position (GRCh38, 1-based): chr2:96,265,263, G>T on the plus strand (C>A on the coding strand, the complement: TMEM127 is on the minus strand). VCF-style: chr2-96265263-G-T. GRCh37 (hg19) VCF-style: chr2-96931001-G-T.
Other names: c.119C>A, p.Ser40Tyr (NM_001193304.3); c.-9+606C>A (NM_001407283.1); short protein forms S40Y.
Identifiers: ClinVar variation 4185913 (VCV004185913.1).

ClinVar aggregate classification (germline): Uncertain significance (1 of 4 stars; one submission).

Conditions:
Hereditary cancer-predisposing syndrome. Also called: Neoplastic Syndromes, Hereditary; Tumor predisposition; Hereditary Cancer Syndrome; Hereditary neoplastic syndrome. Identifiers: Orphanet 140162, MedGen C0027672, MeSH D009386, MONDO:0015356.

Submission:

Ambry Genetics
Classification: Uncertain significance for Hereditary cancer-predisposing syndrome. Last evaluated: 2025-08-11. Review status: criteria provided, single submitter. Criteria: Ambry Variant Classification Scheme 2023. Collection method: clinical testing. Allele origin: germline.
Comment: The p.S40Y variant (also known as c.119C>A), located in coding exon 1 of the TMEM127 gene, results from a C to A substitution at nucleotide position 119. The serine at codon 40 is replaced by tyrosine, an amino acid with dissimilar properties. This amino acid position is highly conserved in available vertebrate species. In addition, this alteration is predicted to be deleterious by in silico analysis. Based on the available evidence, the clinical significance of this variant remains unclear.